The following is an entry in ClinVar:

NM_000051.4(ATM):c.5711A>T (p.Lys1904Ile)

Gene: ATM (ATM serine/threonine kinase; plus strand). Cytogenetic location: 11q22.3.
Variant type: single nucleotide variant.
Coding change: c.5711A>T on transcript NM_000051.4 (MANE Select); coding-DNA position 5711, A replaced by T.
Protein change: p.Lys1904Ile; replaces lysine 1904 with isoleucine.
Molecular consequence: missense variant.
Genome position (GRCh38, 1-based): chr11:108,307,933, A>T. VCF-style: chr11-108307933-A-T. GRCh37 (hg19) VCF-style: chr11-108178660-A-T.
Other names: c.5711A>T, p.Lys1904Ile (NM_001351834.2); short protein forms K1904I.
Identifiers: ClinVar variation 3802059 (VCV003802059.1).

ClinVar aggregate classification (germline): Uncertain significance (1 of 4 stars; one submission).

Conditions:
Hereditary cancer-predisposing syndrome. Also called: Neoplastic Syndromes, Hereditary; Hereditary Cancer Syndrome; Tumor predisposition; Hereditary neoplastic syndrome. Identifiers: Orphanet 140162, MedGen C0027672, MeSH D009386, MONDO:0015356.

gnomAD v4.1: 4 of 1,613,864 alleles (0.00025%); no homozygotes.

Submission:

Ambry Genetics
Classification: Uncertain significance for Hereditary cancer-predisposing syndrome. Last evaluated: 2025-01-20. Review status: criteria provided, single submitter. Criteria: Ambry Variant Classification Scheme 2023. Collection method: clinical testing. Allele origin: germline.
Comment: The p.K1904I variant (also known as c.5711A>T), located in coding exon 37 of the ATM gene, results from an A to T substitution at nucleotide position 5711. The lysine at codon 1904 is replaced by isoleucine, an amino acid with dissimilar properties. This amino acid position is conserved. In addition, this alteration is predicted to be tolerated by in silico analysis. Based on the available evidence, the clinical significance of this variant remains unclear.